The following is an entry in ClinVar:

NM_001258307.2(CCDC74B):c.295+203A>G

Gene: CCDC74B (coiled-coil domain containing 74B; minus strand). Cytogenetic location: 2q21.1.
Variant type: single nucleotide variant.
Coding change: c.295+203A>G on transcript NM_001258307.2 (MANE Select); 203 bases into the intron after coding-DNA position 295, A replaced by G.
Molecular consequence: intron variant.
Genome position (GRCh38, 1-based): chr2:130,143,066, T>C on the plus strand (A>G on the coding strand, the complement: CCDC74B is on the minus strand). VCF-style: chr2-130143066-T-C. GRCh37 (hg19) VCF-style: chr2-130900639-T-C.
Other names: c.295+203A>G (NM_207310.4).
Identifiers: ClinVar variation 2651353 (VCV002651353.24), dbSNP rs140779268, ClinGen allele CA1869207.
Genomic context (GRCh38, chr2:130,143,066, plus strand): 5'-GGTCTGGGGAGCACCCTGTGCCCACCTCCCCACTGCAATGACCTCAGGCCCTGGGCTTCC[T>C]GAGAGCAGCACGTGCTGTGCTTGGCTGCGTAACATCATCCAGCCACGGCTAGAGGTAGCG-3'

ClinVar aggregate classification (germline): Likely benign (1 of 4 stars; one submission).

Allele frequency attached by ClinVar (database versions not stated): ExAC 0.00350; 1000 Genomes Project 30x 0.00406; 1000 Genomes Project 0.00419; gnomAD 0.00473; TOPMed 0.00499.

Submission:

CeGaT Center for Human Genetics Tuebingen
Classification: Likely benign. Last evaluated: 2023-03-01. Review status: criteria provided, single submitter. Criteria: CeGaT Center For Human Genetics Tuebingen Variant Classification Criteria Version 2. Collection method: clinical testing. Allele origin: germline. Affected: yes. Observed: 1 variant allele.
Comment: CCDC74B: BP4, BP7